The following is an entry in ClinVar:

NM_000143.4(FH):c.1290T>G (p.Phe430Leu)

Gene: FH (fumarate hydratase; minus strand). Cytogenetic location: 1q43.
Variant type: single nucleotide variant.
Coding change: c.1290T>G on transcript NM_000143.4 (MANE Select); coding-DNA position 1290, T replaced by G.
Protein change: p.Phe430Leu; replaces phenylalanine 430 with leucine.
Molecular consequence: missense variant.
Genome position (GRCh38, 1-based): chr1:241,500,537, A>C on the plus strand (T>G on the coding strand, the complement: FH is on the minus strand). VCF-style: chr1-241500537-A-C. GRCh37 (hg19) VCF-style: chr1-241663837-A-C.
Other names: short protein forms F430L.
Identifiers: ClinVar variation 3648641 (VCV003648641.4).

ClinVar aggregate classification (germline): Uncertain significance. Review status: criteria provided, multiple submitters, no conflicts (2 of 4 stars). 2 submissions from 2 submitters: Uncertain significance (2). Last evaluated 2026-04-23.

Conditions:
Hereditary cancer-predisposing syndrome. Also called: Hereditary neoplastic syndrome; Tumor predisposition; Hereditary Cancer Syndrome; Neoplastic Syndromes, Hereditary. Identifiers: Orphanet 140162, MedGen C0027672, MeSH D009386, MONDO:0015356.

Submissions (2):

Ambry Genetics
Classification: Uncertain significance for Hereditary cancer-predisposing syndrome. Last evaluated: 2026-04-23. Review status: criteria provided, single submitter. Criteria: Ambry Variant Classification Scheme 2023. Collection method: clinical testing. Allele origin: germline.
Comment: The p.F430L variant (also known as c.1290T>G), located in coding exon 9 of the FH gene, results from a T to G substitution at nucleotide position 1290. The phenylalanine at codon 430 is replaced by leucine, an amino acid with highly similar properties. This amino acid position is conserved. In addition, this alteration is predicted to be deleterious by in silico analysis. Based on the available evidence, the clinical significance of this variant remains unclear.

Labcorp Genetics (formerly Invitae), Labcorp
Classification: Uncertain significance. Last evaluated: 2024-04-03. Review status: criteria provided, single submitter. Criteria: Invitae Variant Classification Sherloc (09022015). Collection method: clinical testing. Allele origin: germline.
Comment: This sequence change replaces phenylalanine, which is neutral and non-polar, with leucine, which is neutral and non-polar, at codon 430 of the FH protein (p.Phe430Leu). This variant is not present in population databases (gnomAD no frequency). This variant has not been reported in the literature in individuals affected with FH-related conditions. Advanced modeling of protein sequence and biophysical properties (such as structural, functional, and spatial information, amino acid conservation, physicochemical variation, residue mobility, and thermodynamic stability) has been performed at Invitae for this missense variant, however the output from this modeling did not meet the statistical confidence thresholds required to predict the impact of this variant on FH protein function. In summary, the available evidence is currently insufficient to determine the role of this variant in disease. Therefore, it has been classified as a Variant of Uncertain Significance.